The following is an entry in ClinVar:

NM_004360.5(CDH1):c.896C>T (p.Ala299Val)

Gene: CDH1 (cadherin 1; plus strand). Cytogenetic location: 16q22.1.
Variant type: single nucleotide variant.
Coding change: c.896C>T on transcript NM_004360.5 (MANE Select); coding-DNA position 896, C replaced by T.
Protein change: p.Ala299Val; replaces alanine 299 with valine.
Molecular consequence: missense variant. On other transcripts: 5 prime UTR variant (2).
Genome position (GRCh38, 1-based): chr16:68,811,747, C>T. VCF-style: chr16-68811747-C-T. GRCh37 (hg19) VCF-style: chr16-68845650-C-T.
Other names: c.896C>T, p.Ala299Val (NM_001317184.2); c.-720C>T (NM_001317185.2); c.-924C>T (NM_001317186.2); short protein forms A299V.
Identifiers: ClinVar variation 1507992 (VCV001507992.8), dbSNP rs745807727, ClinGen allele CA396459670.

ClinVar aggregate classification (germline): Uncertain significance (1 of 4 stars; one submission).

Conditions:
Hereditary diffuse gastric adenocarcinoma (HDGC). Also called: DIFFUSE GASTRIC AND LOBULAR BREAST CANCER SYNDROME. Identifiers: Orphanet 26106, MedGen C1708349, MONDO:0007648, OMIM 137215.

Submission:

Labcorp Genetics (formerly Invitae), Labcorp
Classification: Uncertain significance for Hereditary diffuse gastric adenocarcinoma. Last evaluated: 2024-02-17. Review status: criteria provided, single submitter. Criteria: Invitae Variant Classification Sherloc (09022015). Collection method: clinical testing. Allele origin: germline.
Comment: This sequence change replaces alanine, which is neutral and non-polar, with valine, which is neutral and non-polar, at codon 299 of the CDH1 protein (p.Ala299Val). This variant is not present in population databases (gnomAD no frequency). This variant has not been reported in the literature in individuals affected with CDH1-related conditions. ClinVar contains an entry for this variant (Variation ID: 1507992). An algorithm developed to predict the effect of missense changes on protein structure and function (PolyPhen-2) suggests that this variant is likely to be tolerated. In summary, the available evidence is currently insufficient to determine the role of this variant in disease. Therefore, it has been classified as a Variant of Uncertain Significance.